The following is an entry in ClinVar:

NM_001365276.2(TNXB):c.5512C>G (p.His1838Asp)

Gene: TNXB (tenascin XB; minus strand). Cytogenetic location: 6p21.33.
Variant type: single nucleotide variant.
Coding change: c.5512C>G on transcript NM_001365276.2 (MANE Select); coding-DNA position 5512, C replaced by G.
Protein change: p.His1838Asp; replaces histidine 1838 with aspartic acid.
Molecular consequence: missense variant.
Genome position (GRCh38, 1-based): chr6:32,069,628, G>C on the plus strand (C>G on the coding strand, the complement: TNXB is on the minus strand). VCF-style: chr6-32069628-G-C. GRCh37 (hg19) VCF-style: chr6-32037405-G-C.
Other names: c.6253C>G, p.His2085Asp (NM_001428335.1); c.5512C>G, p.His1838Asp (NM_019105.8); short protein forms H1838D, H2085D.
Identifiers: ClinVar variation 3972009 (VCV003972009.1).

ClinVar aggregate classification (germline): Uncertain significance (1 of 4 stars; one submission).

Conditions:
Cardiovascular phenotype. Identifiers: MedGen CN230736.

gnomAD v4.1: 3 of 1,611,656 alleles (0.00019%); highest among the groups gnomAD compares: Admixed American, 0.005%; no homozygotes.

Submission:

Ambry Genetics
Classification: Uncertain significance for Cardiovascular phenotype. Last evaluated: 2025-05-02. Review status: criteria provided, single submitter. Criteria: Ambry Variant Classification Scheme 2023. Collection method: clinical testing. Allele origin: germline.
Comment: The p.H1838D variant (also known as c.5512C>G), located in coding exon 14 of the TNXB gene, results from a C to G substitution at nucleotide position 5512. The histidine at codon 1838 is replaced by aspartic acid, an amino acid with similar properties. This amino acid position is conserved. In addition, this alteration is predicted to be tolerated by in silico analysis. Based on the available evidence, the clinical significance of this variant remains unclear.